The following is an entry in ClinVar:

NM_006885.4(ZFHX3):c.9665C>T (p.Pro3222Leu)

Genes: ZFHX3 (zinc finger homeobox 3; minus strand), ZFHX3-AS1 (ZFHX3 antisense RNA 1; plus strand). Cytogenetic location: 16q22.2.
Variant type: single nucleotide variant.
Coding change: c.9665C>T on transcript NM_006885.4 (MANE Select); coding-DNA position 9665, C replaced by T.
Protein change: p.Pro3222Leu; replaces proline 3222 with leucine.
Molecular consequence: missense variant.
Genome position (GRCh38, 1-based): chr16:72,788,611, G>A on the plus strand (C>T on the coding strand, the complement: ZFHX3 is on the minus strand). VCF-style: chr16-72788611-G-A. GRCh37 (hg19) VCF-style: chr16-72822510-G-A.
Other names: c.6923C>T, p.Pro2308Leu (NM_001164766.2); c.9665C>T, p.Pro3222Leu (NM_001386735.1); short protein forms P2308L, P3222L.
Identifiers: ClinVar variation 3898965 (VCV003898965.1).

ClinVar aggregate classification (germline): Uncertain significance (1 of 4 stars; one submission).

Submission:

GeneDx
Classification: Uncertain significance. Last evaluated: 2024-11-08. Review status: criteria provided, single submitter. Criteria: GeneDx Variant Classification Process June 2021. Collection method: clinical testing. Allele origin: germline. Affected: yes.
Comment: In silico analysis supports that this missense variant has a deleterious effect on protein structure/function; Not observed at significant frequency in large population cohorts (gnomAD); Has not been previously published as pathogenic or benign to our knowledge